The following is an entry in ClinVar:

ClinVar aggregate classification (germline): Uncertain significance. Review status: criteria provided, multiple submitters, no conflicts (2 of 4 stars). 2 submissions from 2 submitters: Uncertain significance (2). Last evaluated 2024-05-15.

Conditions:
Inborn genetic diseases. Identifiers: MedGen C0950123, MeSH D030342.
MEGF10-related myopathy (CMYO10A). Also called: Congenital myopathy 10A, severe variant. Identifiers: Orphanet 439212, MedGen C3280679, MONDO:0013731, OMIM 614399.

Allele frequency attached by ClinVar (database versions not stated): gnomAD exomes below 0.00001; gnomAD 0.00001; TOPMed 0.00001.
gnomAD v4.1: 4 of 1,613,974 alleles (0.00025%); highest among the groups gnomAD compares: Non-Finnish European, 0.00025%; no homozygotes.

Submissions (2):

Ambry Genetics
Classification: Uncertain significance for Inborn genetic diseases. Last evaluated: 2024-05-15. Review status: criteria provided, single submitter. Criteria: Ambry Variant Classification Scheme 2023. Collection method: clinical testing. Allele origin: germline.

Labcorp Genetics (formerly Invitae), Labcorp
Classification: Uncertain significance for MEGF10-related myopathy. Last evaluated: 2022-08-22. Review status: criteria provided, single submitter. Criteria: Invitae Variant Classification Sherloc (09022015). Collection method: clinical testing. Allele origin: germline.
Comment: This sequence change replaces arginine, which is basic and polar, with cysteine, which is neutral and slightly polar, at codon 521 of the MEGF10 protein (p.Arg521Cys). This variant is present in population databases (no rsID available, gnomAD no frequency). This variant has not been reported in the literature in individuals affected with MEGF10-related conditions. ClinVar contains an entry for this variant (Variation ID: 1521180). Algorithms developed to predict the effect of missense changes on protein structure and function (SIFT, PolyPhen-2, Align-GVGD) all suggest that this variant is likely to be disruptive. Algorithms developed to predict the effect of sequence changes on RNA splicing suggest that this variant may create or strengthen a splice site. In summary, the available evidence is currently insufficient to determine the role of this variant in disease. Therefore, it has been classified as a Variant of Uncertain Significance.

NM_001256545.2(MEGF10):c.1561C>T (p.Arg521Cys)

Gene: MEGF10 (multiple EGF like domains 10; plus strand). Cytogenetic location: 5q23.2.
Variant type: single nucleotide variant.
Coding change: c.1561C>T on transcript NM_001256545.2 (MANE Select); coding-DNA position 1561, C replaced by T.
Protein change: p.Arg521Cys; replaces arginine 521 with cysteine.
Molecular consequence: missense variant.
Genome position (GRCh38, 1-based): chr5:127,420,178, C>T. VCF-style: chr5-127420178-C-T. GRCh37 (hg19) VCF-style: chr5-126755870-C-T.
Other names: c.1561C>T, p.Arg521Cys (NM_001308119.2, NM_001308121.2, NM_032446.3); c.1561C>T (NM_032446.2); short protein forms R521C.
Identifiers: ClinVar variation 1521180 (VCV001521180.6), dbSNP rs1381176973, ClinGen allele CA360730204.